The following is an entry in ClinVar:

NM_003640.5(ELP1):c.1043C>T (p.Ser348Phe)

Gene: ELP1 (elongator acetyltransferase complex subunit 1; minus strand). Cytogenetic location: 9q31.3.
Variant type: single nucleotide variant.
Coding change: c.1043C>T on transcript NM_003640.5 (MANE Select); coding-DNA position 1043, C replaced by T.
Protein change: p.Ser348Phe; replaces serine 348 with phenylalanine.
Molecular consequence: missense variant. On other transcripts: 5 prime UTR variant (1).
Genome position (GRCh38, 1-based): chr9:108,912,410, G>A on the plus strand (C>T on the coding strand, the complement: ELP1 is on the minus strand). VCF-style: chr9-108912410-G-A. GRCh37 (hg19) VCF-style: chr9-111674690-G-A.
Other names: c.1043C>T (LRG_251t1); c.701C>T, p.Ser234Phe (NM_001318360.2); c.-5C>T (NM_001330749.2); short protein forms S234F, S348F.
Identifiers: ClinVar variation 654171 (VCV000654171.7), dbSNP rs1587908989, ClinGen allele CA374429531.
Genomic context (GRCh38, chr9:108,912,410, plus strand): 5'-TAATGCCAGCCCTGACAGAGAACATGCAGCCGGTATGGGGTCACAGGGTCCCACATCAGA[G>A]ACACAATCTTGCTCTTCCCACAGGTGCTGAAGGATAAACTTTGCTTGAGATACCAGTGAT-3'
Protein context (NP_003631.2, residues 338-358): FSTCGKSKIV[Ser348Phe]LMWDPVTPYR

ClinVar aggregate classification (germline): Uncertain significance. Review status: criteria provided, multiple submitters, no conflicts (2 of 4 stars). 3 submissions from 3 submitters: Uncertain significance (2). 1 of the submissions does not count toward it. Last evaluated 2025-01-28.

Conditions:
Familial dysautonomia. Also called: FD; HSAN III. Identifiers: Orphanet 1764, MedGen C0013364, MONDO:0009131, OMIM 223900. Disease mechanism: loss of function.

Allele frequency attached by ClinVar (database versions not stated): gnomAD exomes 0.00002.

Submissions (3):

Ambry Genetics
Classification: Uncertain significance. Last evaluated: 2025-01-28. Review status: criteria provided, single submitter. Criteria: Ambry Variant Classification Scheme 2023. Collection method: clinical testing. Allele origin: germline.
Comment: The p.S348F variant (also known as c.1043C>T), located in coding exon 10 of the IKBKAP gene, results from a C to T substitution at nucleotide position 1043. The serine at codon 348 is replaced by phenylalanine, an amino acid with highly dissimilar properties. This amino acid position is conserved. In addition, this alteration is predicted to be tolerated by in silico analysis. Based on the available evidence, the clinical significance of this variant remains unclear.

Labcorp Genetics (formerly Invitae), Labcorp
Classification: Uncertain significance. Last evaluated: 2024-10-15. Review status: criteria provided, single submitter. Criteria: Invitae Variant Classification Sherloc (09022015). Collection method: clinical testing. Allele origin: germline.
Comment: This sequence change replaces serine, which is neutral and polar, with phenylalanine, which is neutral and non-polar, at codon 348 of the ELP1 protein (p.Ser348Phe). This variant is not present in population databases (gnomAD no frequency). This variant has not been reported in the literature in individuals affected with ELP1-related conditions. ClinVar contains an entry for this variant (Variation ID: 654171). Invitae Evidence Modeling of protein sequence and biophysical properties (such as structural, functional, and spatial information, amino acid conservation, physicochemical variation, residue mobility, and thermodynamic stability) indicates that this missense variant is not expected to disrupt ELP1 protein function with a negative predictive value of 80%. In summary, the available evidence is currently insufficient to determine the role of this variant in disease. Therefore, it has been classified as a Variant of Uncertain Significance.

Natera, Inc.
Classification: Uncertain significance for Familial dysautonomia. Last evaluated: 2020-09-16. Review status: no assertion criteria provided. Collection method: clinical testing. Allele origin: germline. Not counted in ClinVar's aggregate classification.